The following is an entry in ClinVar:

NM_001372051.1(CASP8):c.706T>C (p.Cys236Arg)

Gene: CASP8 (caspase 8; plus strand). Cytogenetic location: 2q33.1.
Variant type: single nucleotide variant.
Coding change: c.706T>C on transcript NM_001372051.1 (MANE Select); coding-DNA position 706, T replaced by C.
Protein change: p.Cys236Arg; replaces cysteine 236 with arginine.
Molecular consequence: missense variant. On other transcripts: non-coding transcript variant (21), intron variant (4).
Genome position (GRCh38, 1-based): chr2:201,276,872, T>C. VCF-style: chr2-201276872-T-C. GRCh37 (hg19) VCF-style: chr2-202141595-T-C.
Other names: c.661T>C, p.Cys221Arg (NM_001080124.2, NM_001400658.1, NM_001400659.1 and 5 more transcripts); c.883T>C, p.Cys295Arg (NM_001080125.2); c.757T>C, p.Cys253Arg (NM_001228.5); c.838T>C, p.Cys280Arg (NM_001400642.1); c.739T>C, p.Cys247Arg (NM_001400645.1); c.706T>C, p.Cys236Arg (NM_001400648.1, NM_001400651.1, NM_001400653.1 and 6 more transcripts); c.637T>C, p.Cys213Arg (NM_001400664.1); c.397T>C, p.Cys133Arg (NM_001400669.1); and 7 more; short protein forms C221R, C236R, C295R, C31R, C133R, C280R, L214P, C213R.
Identifiers: ClinVar variation 2301833 (VCV002301833.5), dbSNP rs1948665323, ClinGen allele CA350294001.

ClinVar aggregate classification (germline): Uncertain significance. Review status: criteria provided, multiple submitters, no conflicts (2 of 4 stars). 2 submissions from 2 submitters: Uncertain significance (2). Last evaluated 2023-08-29.

Conditions:
Inborn genetic diseases. Identifiers: MedGen C0950123, MeSH D030342.
Autoimmune lymphoproliferative syndrome type 2B. Also called: AUTOIMMUNE LYMPHOPROLIFERATIVE SYNDROME, TYPE IIB. Identifiers: Orphanet 275517, MedGen C1846545, MONDO:0011804, OMIM 607271.

Allele frequency attached by ClinVar (database versions not stated): TOPMed below 0.00001; gnomAD 0.00001.
gnomAD v4.1: 3 of 1,613,980 alleles (0.00019%); highest among the groups gnomAD compares: South Asian, 0.0011%; no homozygotes.

Submissions (2):

Labcorp Genetics (formerly Invitae), Labcorp
Classification: Uncertain significance for Autoimmune lymphoproliferative syndrome type 2B. Last evaluated: 2023-08-29. Review status: criteria provided, single submitter. Criteria: Invitae Variant Classification Sherloc (09022015). Collection method: clinical testing. Allele origin: germline.
Comment: Advanced modeling of protein sequence and biophysical properties (such as structural, functional, and spatial information, amino acid conservation, physicochemical variation, residue mobility, and thermodynamic stability) performed at Invitae indicates that this missense variant is expected to disrupt CASP8 protein function. In summary, the available evidence is currently insufficient to determine the role of this variant in disease. Therefore, it has been classified as a Variant of Uncertain Significance. This variant has not been reported in the literature in individuals affected with CASP8-related conditions. ClinVar contains an entry for this variant (Variation ID: 2301833). This sequence change replaces cysteine, which is neutral and slightly polar, with arginine, which is basic and polar, at codon 253 of the CASP8 protein (p.Cys253Arg). This variant is not present in population databases (gnomAD no frequency).

Ambry Genetics
Classification: Uncertain significance for Inborn genetic diseases. Last evaluated: 2022-07-14. Review status: criteria provided, single submitter. Criteria: Ambry Variant Classification Scheme 2023. Collection method: clinical testing. Allele origin: germline.